The following is an entry in ClinVar:

NM_144499.3(GNAT1):c.508G>T (p.Val170Leu)

Gene: GNAT1 (G protein subunit alpha transducin 1; plus strand). Cytogenetic location: 3p21.31.
Variant type: single nucleotide variant.
Coding change: c.508G>T on transcript NM_144499.3 (MANE Select); coding-DNA position 508, G replaced by T.
Protein change: p.Val170Leu; replaces valine 170 with leucine.
Molecular consequence: missense variant.
Genome position (GRCh38, 1-based): chr3:50,193,811, G>T. VCF-style: chr3-50193811-G-T. GRCh37 (hg19) VCF-style: chr3-50231244-G-T.
Other names: c.508G>T, p.Val170Leu (NM_000172.4); short protein forms V170L.
Identifiers: ClinVar variation 1297163 (VCV001297163.2), dbSNP rs149647295, ClinGen allele CA352916364.

ClinVar aggregate classification (germline): Uncertain significance (1 of 4 stars; one submission).

Conditions:
Retinitis pigmentosa (RP). Identifiers: Orphanet 791, MedGen C0035334, MeSH D012174, MONDO:0019200, OMIM 268000. Inheritance: Autosomal dominant, autosomal recessive and X linked inheritance.

Submission:

Broad Center for Mendelian Genomics, Broad Institute of MIT and Harvard
Classification: Uncertain significance for Retinitis pigmentosa. Last evaluated: 2021-04-01. Review status: criteria provided, single submitter. Criteria: ACMG Guidelines, 2015. Collection method: curation. Allele origin: germline. Inheritance: Autosomal dominant inheritance. Affected: yes.
Comment: Through a review of available evidence we were able to apply the following criteria: PM2, PP1. Based on this evidence we have classified this variant as a Variant of Uncertain Significance. If you have any questions about the classification please reach out to the Pierce Lab.

Literature cited by the submitters: PubMed 34906470.